The following is an entry in ClinVar:

NM_005619.5(RTN2):c.1457T>C (p.Ile486Thr)

Genes: OPA3-RTN2 (OPA3-RTN2 readthrough; minus strand), RTN2 (reticulon 2; minus strand). Cytogenetic location: 19q13.32.
Variant type: single nucleotide variant.
Coding change: c.1457T>C on transcript NM_005619.5 (MANE Select); coding-DNA position 1457, T replaced by C.
Protein change: p.Ile486Thr; replaces isoleucine 486 with threonine.
Molecular consequence: missense variant.
Genome position (GRCh38, 1-based): chr19:45,488,511, A>G on the plus strand (T>C on the coding strand, the complement: RTN2 is on the minus strand). VCF-style: chr19-45488511-A-G. GRCh37 (hg19) VCF-style: chr19-45991769-A-G.
Other names: c.1238T>C, p.Ile413Thr (NM_206900.3); c.437T>C, p.Ile146Thr (NM_206901.3); short protein forms I146T, I413T, I486T.
Identifiers: ClinVar variation 4886119 (VCV004886119.2).
Genomic context (GRCh38, chr19:45,488,511, plus strand): 5'-ACTGAGGGTGTCACACTCACCTGGTGCTGCCGGTACAGCAGGGGGATGGTGAATAGACCA[A>G]TCACTCCTGTGGGTACAGAGATGGGGGCGTCAGGGTGTTCCCAAGAGATGAACAGTTCCA-3'
Protein context (NP_005610.1, residues 476-496): NGLTLLILGV[Ile486Thr]GLFTIPLLYR

ClinVar aggregate classification (germline): Uncertain significance (1 of 4 stars; one submission).

gnomAD v4.1: 3 of 1,613,930 alleles (0.00019%); highest among the groups gnomAD compares: Non-Finnish European, 0.00025%; no homozygotes.

Submission:

Dasa
Classification: Uncertain significance. Last evaluated: 2025-08-09. Review status: criteria provided, single submitter. Criteria: DASA Assertion Criteria. Collection method: clinical testing. Allele origin: germline.
Comment: NM_005619.5(RTN2):c.1457T>C (p.Ile486Thr) is a missense variant that results in the substitution of isoleucine with threonine. This variant is rare in population databases. The currently available literature and clinical evidence are not sufficient to establish a definitive association between this variant and the reported condition. Therefore, this variant is classified as a variant of uncertain significance.